The following is an entry in ClinVar:

NM_172250.3(MMAA):c.503del (p.Thr168fs)

Gene: MMAA (metabolism of cobalamin associated A; plus strand). Cytogenetic location: 4q31.21.
Variant type: Deletion.
Coding change: c.503del on transcript NM_172250.3 (MANE Select); coding-DNA position 503, one base deleted (C; older notation c.503delC).
Protein change: p.Thr168fs; shifts the reading frame from threonine 168.
Molecular consequence: frameshift variant.
Genome position (GRCh38, 1-based): chr4:145,642,426, C deleted. VCF-style (leftmost placement, unchanged base first): chr4-145642425-AC-A. GRCh37 (hg19) VCF-style: chr4-146563577-AC-A.
Other names: short protein forms T168fs.
Identifiers: ClinVar variation 218974 (VCV000218974.7), dbSNP rs864309728, ClinGen allele CA347897.

ClinVar aggregate classification (germline): Pathogenic. Review status: criteria provided, single submitter (1 of 4 stars). 2 submissions from 2 submitters: Pathogenic (1). 1 of the submissions does not count toward it. Last evaluated 2023-02-24.

Conditions:
Methylmalonic aciduria, cblA type (MACA). Also called: Methylmalonic aciduria, vitamin B12-responsive; Vitamin B12-responsive methylmalonic acidemia type cblA; Methylmalonic aciduria, vitamin b12-responsive, due to defect in synthesis of adenosylcobalamin, cbla complementation type; MMA cbl A type; Methylmalonic acidemia cblA type. Identifiers: Orphanet 28, Orphanet 79310, MedGen C1855109, MONDO:0009613, OMIM 251100.

Allele frequency attached by ClinVar (database versions not stated): gnomAD exomes below 0.00001.

Submissions (2):

Labcorp Genetics (formerly Invitae), Labcorp
Classification: Pathogenic for Methylmalonic aciduria, cblA type. Last evaluated: 2023-02-24. Review status: criteria provided, single submitter. Criteria: Invitae Variant Classification Sherloc (09022015). Collection method: clinical testing. Allele origin: germline.
Comment: This premature translational stop signal has been observed in individual(s) with methylmalonic acidemia (PMID: 15308131, 31622506). This variant is not present in population databases (gnomAD no frequency). This sequence change creates a premature translational stop signal (p.Thr168Metfs*10) in the MMAA gene. It is expected to result in an absent or disrupted protein product. Loss-of-function variants in MMAA are known to be pathogenic (PMID: 15523652, 15781192). ClinVar contains an entry for this variant (Variation ID: 218974). For these reasons, this variant has been classified as Pathogenic.

GeneReviews
No classification provided. Condition: Methylmalonic aciduria, cblA type. Review status: no classification provided. Collection method: literature only. Allele origin: germline. Affected: yes. Not counted in ClinVar's aggregate classification.

Literature cited by the submitters: PubMed 15308131 (cited by Labcorp Genetics (formerly Invitae), Labcorp and GeneReviews); PubMed 31622506 (cited by Labcorp Genetics (formerly Invitae), Labcorp); PubMed 15523652 (cited by Labcorp Genetics (formerly Invitae), Labcorp); PubMed 15781192 (cited by Labcorp Genetics (formerly Invitae), Labcorp); NCBI Bookshelf NBK1231 (cited by GeneReviews).